The following is an entry in ClinVar:

NM_001127649.3(PEX26):c.75G>A (p.Val25=)

Gene: PEX26 (peroxisomal biogenesis factor 26; plus strand). Cytogenetic location: 22q11.21.
Variant type: single nucleotide variant.
Coding change: c.75G>A on transcript NM_001127649.3 (MANE Select); coding-DNA position 75, G replaced by A.
Protein change: p.Val25=; no amino-acid change (valine 25 retained).
Molecular consequence: synonymous variant.
Genome position (GRCh38, 1-based): chr22:18,078,451, G>A. VCF-style: chr22-18078451-G-A. GRCh37 (hg19) VCF-style: chr22-18561217-G-A.
Other names: c.75G>A, p.Val25= (NM_001199319.2, NM_017929.6); c.75G>A (NM_017929.5).
Identifiers: ClinVar variation 2048808 (VCV002048808.5), dbSNP rs746587582, ClinGen allele CA10093215.

ClinVar aggregate classification (germline): Likely benign. Review status: criteria provided, multiple submitters, no conflicts (2 of 4 stars). 2 submissions from 2 submitters: Likely benign (2). Last evaluated 2026-07-20.

Conditions:
PEX26-related disorder. Also called: PEX26-related condition.
Peroxisome biogenesis disorder 7A (Zellweger). Also called: Peroxisome biogenesis disorder 7A. Identifiers: Orphanet 912, MedGen C3888385, MONDO:0013938, OMIM 614872.
Peroxisome biogenesis disorder 7B (PBD7B). Identifiers: Orphanet 44, MedGen C3553951, MONDO:0013939, OMIM 614873.

Allele frequency attached by ClinVar (database versions not stated): gnomAD exomes below 0.00001; gnomAD 0.00001; TOPMed 0.00001; ExAC 0.00002.
gnomAD v4.1: 6 of 1,578,556 alleles (0.00038%); highest among the groups gnomAD compares: Non-Finnish European, 0.00051%; no homozygotes.

Submissions (2):

PreventionGenetics, part of Exact Sciences
Classification: Likely benign for PEX26-related condition. Last evaluated: 2026-07-20. Review status: criteria provided, single submitter. Criteria: ACMG Guidelines, 2015. Collection method: clinical testing. Allele origin: germline.
Comment: This variant is classified as likely benign based on ACMG/AMP sequence variant interpretation guidelines (Richards et al. 2015 PMID: 25741868, with internal and published modifications).

Labcorp Genetics (formerly Invitae), Labcorp
Classification: Likely benign for Peroxisome biogenesis disorder 7A (Zellweger); Peroxisome biogenesis disorder 7B. Last evaluated: 2024-02-09. Review status: criteria provided, single submitter. Criteria: Invitae Variant Classification Sherloc (09022015). Collection method: clinical testing. Allele origin: germline.